The following is an entry in ClinVar:

NM_000116.5(TAFAZZIN):c.142G>A (p.Glu48Lys)

Gene: TAFAZZIN (tafazzin, phospholipid-lysophospholipid transacylase; plus strand). Cytogenetic location: Xq28.
Variant type: single nucleotide variant.
Coding change: c.142G>A on transcript NM_000116.5 (MANE Select); coding-DNA position 142, G replaced by A.
Protein change: p.Glu48Lys; replaces glutamic acid 48 with lysine.
Molecular consequence: missense variant. On other transcripts: non-coding transcript variant (1).
Genome position (GRCh38, 1-based): chrX:154,412,118, G>A. VCF-style: chrX-154412118-G-A. GRCh37 (hg19) VCF-style: chrX-153640455-G-A.
Other names: c.196G>A, p.Glu66Lys (NM_001303465.2, NM_001410698.1); c.142G>A, p.Glu48Lys (NM_181311.4, NM_181312.4, NM_181313.4); short protein forms E48K, E66K.
Identifiers: ClinVar variation 1799809 (VCV001799809.2), dbSNP rs2522923948, ClinGen allele CA415179536.
Genomic context (GRCh38, chrX:154,412,118, plus strand): 5'-GAGCGCCTGACTTCTCCTTCCCCGCCAGAGTACATGAACCACCTGACCGTGCACAACAGG[G>A]AGGTGCTGTACGAGCTCATCGAGAAGCGAGGCCCGGCCACGCCCCTCATCACCGTGTCCA-3'
Protein context (NP_000107.1, residues 38-58): YMNHLTVHNR[Glu48Lys]VLYELIEKRG

ClinVar aggregate classification (germline): Uncertain significance (1 of 4 stars; one submission).

Conditions:
Cardiovascular phenotype. Identifiers: MedGen CN230736.

Submission:

Ambry Genetics
Classification: Uncertain significance for Cardiovascular phenotype. Last evaluated: 2021-12-07. Review status: criteria provided, single submitter. Criteria: Ambry Variant Classification Scheme 2023. Collection method: clinical testing. Allele origin: germline.
Comment: The p.E48K variant (also known as c.142G>A), located in coding exon 2 of the TAZ gene, results from a G to A substitution at nucleotide position 142. The glutamic acid at codon 48 is replaced by lysine, an amino acid with similar properties. This amino acid position is highly conserved in available vertebrate species. In addition, this alteration is predicted to be deleterious by in silico analysis. Since supporting evidence is limited at this time, the clinical significance of this alteration remains unclear.